The following is an entry in ClinVar:

NM_005157.6(ABL1):c.386A>G (p.His129Arg)

Gene: ABL1 (ABL proto-oncogene 1, non-receptor tyrosine kinase; plus strand). Cytogenetic location: 9q34.12.
Variant type: single nucleotide variant.
Coding change: c.386A>G on transcript NM_005157.6 (MANE Select); coding-DNA position 386, A replaced by G.
Protein change: p.His129Arg; replaces histidine 129 with arginine.
Molecular consequence: missense variant.
Genome position (GRCh38, 1-based): chr9:130,854,933, A>G. VCF-style: chr9-130854933-A-G. GRCh37 (hg19) VCF-style: chr9-133730320-A-G.
Other names: c.443A>G, p.His148Arg (NM_007313.3); short protein forms H148R, H129R.
Identifiers: ClinVar variation 4740461 (VCV004740461.1).

ClinVar aggregate classification (germline): Uncertain significance (1 of 4 stars; one submission).

gnomAD v4.1: 2 of 1,614,226 alleles (0.00012%); highest among the groups gnomAD compares: Admixed American, 0.0017%; no homozygotes.

Submission:

Labcorp Genetics (formerly Invitae), Labcorp
Classification: Uncertain significance. Last evaluated: 2025-02-23. Review status: criteria provided, single submitter. Criteria: Invitae Variant Classification Sherloc (09022015). Collection method: clinical testing. Allele origin: germline.
Comment: This sequence change replaces histidine, which is basic and polar, with arginine, which is basic and polar, at codon 148 of the ABL1 protein (p.His148Arg). This variant is not present in population databases (gnomAD no frequency). This variant has not been reported in the literature in individuals affected with ABL1-related conditions. Invitae Evidence Modeling of protein sequence and biophysical properties (such as structural, functional, and spatial information, amino acid conservation, physicochemical variation, residue mobility, and thermodynamic stability) has been performed for this missense variant. However, the output from this modeling did not meet the statistical confidence thresholds required to predict the impact of this variant on ABL1 protein function. In summary, the available evidence is currently insufficient to determine the role of this variant in disease. Therefore, it has been classified as a Variant of Uncertain Significance.